The following is an entry in ClinVar:

ClinVar aggregate classification (germline): Uncertain significance (1 of 4 stars; one submission).

Conditions:
Ehlers-Danlos syndrome, dermatosparaxis type. Also called: Dermatosparaxis; Ehlers-Danlos syndrome, type VII, autosomal recessive; EDS VIIC. Identifiers: Orphanet 1901, MedGen C2700425, MONDO:0009161, OMIM 225410.

Allele frequency attached by ClinVar (database versions not stated): gnomAD exomes below 0.00001.
gnomAD v4.1: 1 of 1,613,078 alleles (0.000062%); highest among the groups gnomAD compares: Non-Finnish European, 0.000085%; no homozygotes.

Submission:

Labcorp Genetics (formerly Invitae), Labcorp
Classification: Uncertain significance for Ehlers-Danlos syndrome, dermatosparaxis type. Last evaluated: 2020-12-22. Review status: criteria provided, single submitter. Criteria: Invitae Variant Classification Sherloc (09022015). Collection method: clinical testing. Allele origin: germline.
Comment: This sequence change replaces phenylalanine with leucine at codon 404 of the ADAMTS2 protein (p.Phe404Leu). The phenylalanine residue is highly conserved and there is a small physicochemical difference between phenylalanine and leucine. In summary, the available evidence is currently insufficient to determine the role of this variant in disease. Therefore, it has been classified as a Variant of Uncertain Significance. Algorithms developed to predict the effect of missense changes on protein structure and function are either unavailable or do not agree on the potential impact of this missense change (SIFT: "Deleterious"; PolyPhen-2: "Probably Damaging"; Align-GVGD: "Class C15"). This variant has not been reported in the literature in individuals with ADAMTS2-related conditions. This variant is not present in population databases (ExAC no frequency).

NM_014244.5(ADAMTS2):c.1210T>C (p.Phe404Leu)

Gene: ADAMTS2 (ADAM metallopeptidase with thrombospondin type 1 motif 2; minus strand). Cytogenetic location: 5q35.3.
Variant type: single nucleotide variant.
Coding change: c.1210T>C on transcript NM_014244.5 (MANE Select); coding-DNA position 1210, T replaced by C.
Protein change: p.Phe404Leu; replaces phenylalanine 404 with leucine.
Molecular consequence: missense variant.
Genome position (GRCh38, 1-based): chr5:179,154,842, A>G on the plus strand (T>C on the coding strand, the complement: ADAMTS2 is on the minus strand). VCF-style: chr5-179154842-A-G. GRCh37 (hg19) VCF-style: chr5-178581843-A-G.
Other names: c.1210T>C, p.Phe404Leu (NM_021599.4); short protein forms F404L.
Identifiers: ClinVar variation 1389652 (VCV001389652.6), dbSNP rs2113254470, ClinGen allele CA362434876.